The following is an entry in ClinVar:

NM_024301.5(FKRP):c.1007C>T (p.Ala336Val)

Gene: FKRP (fukutin related protein; plus strand). Cytogenetic location: 19q13.32.
Variant type: single nucleotide variant.
Coding change: c.1007C>T on transcript NM_024301.5 (MANE Select); coding-DNA position 1007, C replaced by T.
Protein change: p.Ala336Val; replaces alanine 336 with valine.
Molecular consequence: missense variant.
Genome position (GRCh38, 1-based): chr19:46,756,457, C>T. VCF-style: chr19-46756457-C-T. GRCh37 (hg19) VCF-style: chr19-47259714-C-T.
Other names: c.1007C>T, p.Ala336Val (NM_001039885.3); c.1007C>T (NM_024301.4); short protein forms A336V.
Identifiers: ClinVar variation 497381 (VCV000497381.8), dbSNP rs1555738924, ClinGen allele CA406496458.

ClinVar aggregate classification (germline): Uncertain significance. Review status: criteria provided, multiple submitters, no conflicts (2 of 4 stars). 3 submissions from 3 submitters: Uncertain significance (3). Last evaluated 2023-04-16.

Conditions:
Cardiovascular phenotype. Identifiers: MedGen CN230736.
Walker-Warburg congenital muscular dystrophy. Also called: Muscular dystrophy-dystroglycanopathy, type A; Walker-Warburg syndrome. Identifiers: Orphanet 899, MedGen C0265221, MONDO:0000171.

Allele frequency attached by ClinVar (database versions not stated): gnomAD exomes 0.00001.

Submissions (3):

Ambry Genetics
Classification: Uncertain significance for Cardiovascular phenotype. Last evaluated: 2023-04-16. Review status: criteria provided, single submitter. Criteria: Ambry Variant Classification Scheme 2023. Collection method: clinical testing. Allele origin: germline.
Comment: The p.A336V variant (also known as c.1007C>T), located in coding exon 1 of the FKRP gene, results from a C to T substitution at nucleotide position 1007. The alanine at codon 336 is replaced by valine, an amino acid with similar properties. This amino acid position is conserved. In addition, the in silico prediction for this alteration is inconclusive. Since supporting evidence is limited at this time, the clinical significance of this alteration remains unclear.

Labcorp Genetics (formerly Invitae), Labcorp
Classification: Uncertain significance for Walker-Warburg congenital muscular dystrophy. Last evaluated: 2022-06-09. Review status: criteria provided, single submitter. Criteria: Invitae Variant Classification Sherloc (09022015). Collection method: clinical testing. Allele origin: germline.
Comment: This sequence change replaces alanine, which is neutral and non-polar, with valine, which is neutral and non-polar, at codon 336 of the FKRP protein (p.Ala336Val). This variant is not present in population databases (gnomAD no frequency). This variant has not been reported in the literature in individuals affected with FKRP-related conditions. ClinVar contains an entry for this variant (Variation ID: 497381). Algorithms developed to predict the effect of missense changes on protein structure and function are either unavailable or do not agree on the potential impact of this missense change (SIFT: "Tolerated"; PolyPhen-2: "Possibly Damaging"; Align-GVGD: "Class C0"). In summary, the available evidence is currently insufficient to determine the role of this variant in disease. Therefore, it has been classified as a Variant of Uncertain Significance.

Eurofins Ntd Llc (ga)
Classification: Uncertain significance. Last evaluated: 2016-11-30. Review status: criteria provided, single submitter. Criteria: EGL Classification Definitions 2015. Collection method: clinical testing. Allele origin: germline. Observed: 1 variant allele, 1 heterozygote.